The following is an entry in ClinVar:

ClinVar aggregate classification (germline): Benign/Likely benign. Review status: criteria provided, multiple submitters, no conflicts (2 of 4 stars). 4 submissions from 4 submitters: Benign (1); Likely benign (3). Last evaluated 2026-04-17.

Conditions:
Hereditary cancer-predisposing syndrome. Also called: Hereditary Cancer Syndrome; Hereditary neoplastic syndrome; Neoplastic Syndromes, Hereditary; Tumor predisposition. Identifiers: Orphanet 140162, MedGen C0027672, MeSH D009386, MONDO:0015356.
DICER1-related tumor predisposition. Also called: DICER1 syndrome; DICER1-related pleuropulmonary blastoma cancer predisposition syndrome. Identifiers: Orphanet 284343, MedGen C3839822, MONDO:0100216.

Allele frequency attached by ClinVar (database versions not stated): gnomAD exomes below 0.00001.
gnomAD v4.1: 2 of 1,614,072 alleles (0.00012%); highest among the groups gnomAD compares: South Asian, 0.0011%; no homozygotes.

Submissions (4):

Myriad Genetics, Inc.
Classification: Benign for DICER1-related tumor predisposition. Last evaluated: 2026-04-17. Review status: criteria provided, single submitter. Criteria: Myriad Autosomal Dominant, Autosomal Recessive and X-Linked Classification Criteria (2023). Collection method: clinical testing. Allele origin: unknown.
Comment: This variant is considered benign. This variant is a silent/synonymous amino acid change and it is not expected to impact splicing.

CeGaT Center for Human Genetics Tuebingen
Classification: Likely benign. Last evaluated: 2025-08-01. Review status: criteria provided, single submitter. Criteria: CeGaT Center For Human Genetics Tuebingen Variant Classification Criteria Version 2. Collection method: clinical testing. Allele origin: germline. Affected: yes. Observed: 1 variant allele.
Comment: DICER1: BP4, BP7

Ambry Genetics
Classification: Likely benign for Hereditary cancer-predisposing syndrome. Last evaluated: 2024-05-04. Review status: criteria provided, single submitter. Criteria: Ambry Variant Classification Scheme 2023. Collection method: clinical testing. Allele origin: germline.

Labcorp Genetics (formerly Invitae), Labcorp
Classification: Likely benign for DICER1-related tumor predisposition. Last evaluated: 2023-09-04. Review status: criteria provided, single submitter. Criteria: Invitae Variant Classification Sherloc (09022015). Collection method: clinical testing. Allele origin: germline.

NM_177438.3(DICER1):c.4095A>G (p.Leu1365=)

Gene: DICER1 (dicer 1, ribonuclease III; minus strand). Cytogenetic location: 14q32.13.
Variant type: single nucleotide variant.
Coding change: c.4095A>G on transcript NM_177438.3 (MANE Select); coding-DNA position 4095, A replaced by G.
Protein change: p.Leu1365=; no amino-acid change (leucine 1365 retained).
Molecular consequence: synonymous variant. On other transcripts: non-coding transcript variant (6).
Genome position (GRCh38, 1-based): chr14:95,099,891, T>C on the plus strand (A>G on the coding strand, the complement: DICER1 is on the minus strand). VCF-style: chr14-95099891-T-C. GRCh37 (hg19) VCF-style: chr14-95566228-T-C.
Other names: c.4095A>G, p.Leu1365= (NM_001195573.1, NM_001271282.3, NM_001291628.2 and 13 more transcripts); c.3813A>G, p.Leu1271= (NM_001395686.1); c.3690A>G, p.Leu1230= (NM_001395687.1, NM_001395688.1, NM_001395689.1 and 2 more transcripts); c.3528A>G, p.Leu1176= (NM_001395691.1); c.2412A>G, p.Leu804= (NM_001395697.1).
Identifiers: ClinVar variation 2905151 (VCV002905151.12), dbSNP rs1595353632, ClinGen allele CA487625797.
Genomic context (GRCh38, chr14:95,099,891, plus strand): 5'-ATAACCAGGAGGAAGCCAATTCACAGGGGGATCAAATATTGACACCACCATGCGGCTGGG[T>C]AGTCCCTTCTTTTTTCCAAGGCGATACAGATTACAGTTGCTGACCTTTAGCAGAAAATAT-3'
Protein context (NP_803187.1, residues 1355-1375): NLYRLGKKKG[Leu1365=]PSRMVVSIFD